The following is an entry in ClinVar:

NM_003073.5(SMARCB1):c.765G>C (p.Glu255Asp)

Gene: SMARCB1 (SWI/SNF related BAF chromatin remodeling complex subunit B1; plus strand). Cytogenetic location: 22q11.23.
Variant type: single nucleotide variant.
Coding change: c.765G>C on transcript NM_003073.5 (MANE Select); coding-DNA position 765, G replaced by C.
Protein change: p.Glu255Asp; replaces glutamic acid 255 with aspartic acid.
Molecular consequence: missense variant.
Genome position (GRCh38, 1-based): chr22:23,816,906, G>C. VCF-style: chr22-23816906-G-C. GRCh37 (hg19) VCF-style: chr22-24159093-G-C.
Other names: c.738G>C, p.Glu246Asp (NM_001007468.3); c.792G>C, p.Glu264Asp (NM_001317946.2); c.819G>C, p.Glu273Asp (NM_001362877.2); short protein forms E264D, E255D, E273D, E246D.
Identifiers: ClinVar variation 2740746 (VCV002740746.4), dbSNP rs1060504799, ClinGen allele CA410901813.
Genomic context (GRCh38, chr22:23,816,906, plus strand): 5'-AGCCATCGCCTCTGCCATCAGACAGCAGATCGAGTCCTACCCCACGGACAGCATCCTGGA[G>C]GACCAGTCAGACCAGCGCGTCATCATCAAGGTAGGTGACTTCTCACCCAGCACTGGAGCC-3'
Protein context (NP_003064.2, residues 245-265): IESYPTDSIL[Glu255Asp]DQSDQRVIIK

ClinVar aggregate classification (germline): Uncertain significance. Review status: criteria provided, multiple submitters, no conflicts (2 of 4 stars). 2 submissions from 2 submitters: Uncertain significance (2). Last evaluated 2024-08-20.

Conditions:
Hereditary cancer-predisposing syndrome. Also called: Hereditary Cancer Syndrome; Neoplastic Syndromes, Hereditary; Hereditary neoplastic syndrome; Tumor predisposition. Identifiers: Orphanet 140162, MedGen C0027672, MeSH D009386, MONDO:0015356.

Submissions (2):

Ambry Genetics
Classification: Uncertain significance for Hereditary cancer-predisposing syndrome. Last evaluated: 2024-08-20. Review status: criteria provided, single submitter. Criteria: Ambry Variant Classification Scheme 2023. Collection method: clinical testing. Allele origin: germline.
Comment: The p.E255D variant (also known as c.765G>C), located in coding exon 6 of the SMARCB1 gene, results from a G to C substitution at nucleotide position 765. The glutamic acid at codon 255 is replaced by aspartic acid, an amino acid with highly similar properties. This amino acid position is conserved. In addition, this alteration is predicted to be tolerated by in silico analysis. Based on the available evidence, the clinical significance of this variant remains unclear.

Labcorp Genetics (formerly Invitae), Labcorp
Classification: Uncertain significance. Last evaluated: 2023-09-05. Review status: criteria provided, single submitter. Criteria: Invitae Variant Classification Sherloc (09022015). Collection method: clinical testing. Allele origin: germline.
Comment: In summary, the available evidence is currently insufficient to determine the role of this variant in disease. Therefore, it has been classified as a Variant of Uncertain Significance. Advanced modeling of protein sequence and biophysical properties (such as structural, functional, and spatial information, amino acid conservation, physicochemical variation, residue mobility, and thermodynamic stability) performed at Invitae indicates that this missense variant is not expected to disrupt SMARCB1 protein function. This variant has not been reported in the literature in individuals affected with SMARCB1-related conditions. This variant is not present in population databases (gnomAD no frequency). This sequence change replaces glutamic acid, which is acidic and polar, with aspartic acid, which is acidic and polar, at codon 255 of the SMARCB1 protein (p.Glu255Asp).